The following is an entry in ClinVar:

ClinVar aggregate classification (germline): Pathogenic (1 of 4 stars; one submission).

Conditions:
Nemaline myopathy 2 (NEM2). Also called: Nemaline myopathy 2, autosomal recessive. Identifiers: MedGen C1850569, MONDO:0009725, OMIM 256030.

Submission:

Labcorp Genetics (formerly Invitae), Labcorp
Classification: Pathogenic for Nemaline myopathy 2. Last evaluated: 2022-08-20. Review status: criteria provided, single submitter. Criteria: Invitae Variant Classification Sherloc (09022015). Collection method: clinical testing. Allele origin: germline.
Comment: This sequence change creates a premature translational stop signal (p.Lys4214*) in the NEB gene. It is expected to result in an absent or disrupted protein product. Loss-of-function variants in NEB are known to be pathogenic (PMID: 25205138). For these reasons, this variant has been classified as Pathogenic. Algorithms developed to predict the effect of sequence changes on RNA splicing suggest that this variant may disrupt the consensus splice site. This variant has not been reported in the literature in individuals affected with NEB-related conditions. The frequency data for this variant in the population databases (gnomAD) is considered unreliable due to the presence of homologous sequence, such as pseudogenes or paralogs, in the genome. This variant occurs in a region of NEB (Exons 82-105) consisting of three highly homologous 8-exon repeat units (exons 82-89, exons 90-97, exons 98-105). Sequence variants in this region can be detected, but this assay cannot determine which of the three repeat units is affected, and zygosity is often ambiguous. All variants in this region are reported relative to the exon 82-89 repeat.

Literature cited by the submitters: PubMed 25205138.

NM_001164508.2(NEB):c.12639dup (p.Lys4214Ter)

Gene: NEB (nebulin; minus strand). Cytogenetic location: 2q23.3.
Variant type: Duplication.
Coding change: c.12639dup on transcript NM_001164508.2 (MANE Select); coding-DNA position 12639, one base duplicated (T; older notation c.12639dupT).
Protein change: p.Lys4214Ter; replaces lysine 4214 with a stop codon.
Molecular consequence: nonsense. On other transcripts: intron variant (1).
Genome position (GRCh38, 1-based): chr2:151,607,504, A duplicated on the plus strand (T on the coding strand, the reverse complement: NEB is on the minus strand). VCF-style (leftmost placement, unchanged base first): chr2-151607503-C-CA. GRCh37 (hg19) VCF-style: chr2-152464017-C-CA.
Other names: c.12639dup, p.Lys4214Ter (NM_001164507.2, NM_001271208.2); c.11601+2305dup (NM_004543.5); short protein forms K4214*.
Identifiers: ClinVar variation 2018859 (VCV002018859.4), dbSNP rs2552225557, ClinGen allele CA2580064097.